The following is an entry in ClinVar:

NM_004588.5(SCN2B):c.376A>G (p.Asn126Asp)

Gene: SCN2B (sodium voltage-gated channel beta subunit 2; minus strand). Cytogenetic location: 11q23.3.
Variant type: single nucleotide variant.
Coding change: c.376A>G on transcript NM_004588.5 (MANE Select); coding-DNA position 376, A replaced by G.
Protein change: p.Asn126Asp; replaces asparagine 126 with aspartic acid.
Molecular consequence: missense variant.
Genome position (GRCh38, 1-based): chr11:118,168,157, T>C on the plus strand (A>G on the coding strand, the complement: SCN2B is on the minus strand). VCF-style: chr11-118168157-T-C. GRCh37 (hg19) VCF-style: chr11-118038872-T-C.
Other names: short protein forms N126D.
Identifiers: ClinVar variation 3224332 (VCV003224332.1), dbSNP rs2497600716, ClinGen allele CA382784743.

ClinVar aggregate classification (germline): Uncertain significance (1 of 4 stars; one submission).

Conditions:
Cardiovascular phenotype. Identifiers: MedGen CN230736.

Allele frequency attached by ClinVar (database versions not stated): gnomAD exomes below 0.00001.
gnomAD v4.1: 1 of 1,614,168 alleles (0.000062%); highest among the groups gnomAD compares: Non-Finnish European, 0.000085%; no homozygotes.

Submission:

Ambry Genetics
Classification: Uncertain significance for Cardiovascular phenotype. Last evaluated: 2024-03-05. Review status: criteria provided, single submitter. Criteria: Ambry Variant Classification Scheme 2023. Collection method: clinical testing. Allele origin: germline.
Comment: The p.N126D variant (also known as c.376A>G), located in coding exon 3 of the SCN2B gene, results from an A to G substitution at nucleotide position 376. The asparagine at codon 126 is replaced by aspartic acid, an amino acid with highly similar properties. This amino acid position is conserved. In addition, this alteration is predicted to be tolerated by in silico analysis. Based on the available evidence, the clinical significance of this alteration remains unclear.